The following is an entry in ClinVar:

ClinVar aggregate classification (germline): Likely pathogenic (1 of 4 stars; one submission).

Conditions:
Factor XIII, b subunit, deficiency of. Also called: Factor XIII subunit B deficiency. Identifiers: Orphanet 331, MedGen C2750481, MONDO:0013190, OMIM 613235, HP:0040234.

Submission:

Diagnostics Services (NGS), CSIR - Centre For Cellular And Molecular Biology
Classification: Likely pathogenic for Factor XIII, b subunit, deficiency of. Last evaluated: 2026-06-30. Review status: criteria provided, single submitter. Criteria: ACMG Guidelines, 2015. Collection method: clinical testing. Allele origin: germline. Affected: no. Observed: 1 variant allele, 1 heterozygote.

NM_001994.3(F13B):c.173dup (p.Cys59fs)

Gene: F13B (coagulation factor XIII B chain; minus strand). Cytogenetic location: 1q31.3.
Variant type: Duplication.
Coding change: c.173dup on transcript NM_001994.3 (MANE Select); coding-DNA position 173, one base duplicated (T; older notation c.173dupT).
Protein change: p.Cys59fs; shifts the reading frame from cysteine 59.
Molecular consequence: frameshift variant.
Genome position (GRCh38, 1-based): chr1:197,062,949, A duplicated on the plus strand (T on the coding strand, the reverse complement: F13B is on the minus strand); the first of 5 consecutive A bases (chr1:197,062,949-197,062,953); duplicating any one gives the same sequence. VCF-style (leftmost placement, unchanged base first): chr1-197062948-G-GA. GRCh37 (hg19) VCF-style: chr1-197032078-G-GA.
Other names: short protein forms C59fs.
Identifiers: ClinVar variation 4884487 (VCV004884487.1).